The following is an entry in ClinVar:

NM_017763.6(RNF43):c.1526T>C (p.Val509Ala)

Gene: RNF43 (ring finger protein 43; minus strand). Cytogenetic location: 17q22.
Variant type: single nucleotide variant.
Coding change: c.1526T>C on transcript NM_017763.6 (MANE Select); coding-DNA position 1526, T replaced by C.
Protein change: p.Val509Ala; replaces valine 509 with alanine.
Molecular consequence: missense variant.
Genome position (GRCh38, 1-based): chr17:58,358,250, A>G on the plus strand (T>C on the coding strand, the complement: RNF43 is on the minus strand). VCF-style: chr17-58358250-A-G. GRCh37 (hg19) VCF-style: chr17-56435611-A-G.
Other names: c.1526T>C, p.Val509Ala (NM_001305544.3, NM_001438820.1, NM_001438821.1 and 1 more transcripts); c.1145T>C, p.Val382Ala (NM_001305545.2, NM_001437987.1); short protein forms V382A, V509A.
Identifiers: ClinVar variation 4578961 (VCV004578961.1).

ClinVar aggregate classification (germline): Uncertain significance (1 of 4 stars; one submission).

Submission:

Ambry Genetics
Classification: Uncertain significance. Last evaluated: 2025-10-14. Review status: criteria provided, single submitter. Criteria: Ambry Variant Classification Scheme 2023. Collection method: clinical testing. Allele origin: germline.
Comment: The p.V509A variant (also known as c.1526T>C), located in coding exon 8 of the RNF43 gene, results from a T to C substitution at nucleotide position 1526. The valine at codon 509 is replaced by alanine, an amino acid with similar properties. This amino acid position is conserved. In addition, this alteration is predicted to be tolerated by in silico analysis. Based on the available evidence, the clinical significance of this variant remains unclear.